The following is an entry in ClinVar:

ClinVar aggregate classification (germline): Uncertain significance. Review status: criteria provided, multiple submitters, no conflicts (2 of 4 stars). 2 submissions from 2 submitters: Uncertain significance (2). Last evaluated 2025-10-23.

Conditions:
Inborn genetic diseases. Identifiers: MedGen C0950123, MeSH D030342.
Congenital myasthenic syndrome 18. Also called: MYASTHENIC SYNDROME, CONGENITAL, 18, WITH INTELLECTUAL DISABILITY AND ATAXIA. Identifiers: Orphanet 590, MedGen C4225364, MONDO:0014590, OMIM 616330.

Allele frequency attached by ClinVar (database versions not stated): TOPMed 0.00002.
gnomAD v4.1: 2 of 1,603,604 alleles (0.00012%); highest among the groups gnomAD compares: Non-Finnish European, 0.00017%; no homozygotes.

Submissions (2):

Labcorp Genetics (formerly Invitae), Labcorp
Classification: Uncertain significance for Congenital myasthenic syndrome 18. Last evaluated: 2025-10-23. Review status: criteria provided, single submitter. Criteria: Invitae Variant Classification Sherloc (09022015). Collection method: clinical testing. Allele origin: germline.
Comment: This sequence change replaces alanine, which is neutral and non-polar, with threonine, which is neutral and polar, at codon 2 of the SNAP25 protein (p.Ala2Thr). This variant is not present in population databases (gnomAD no frequency). This variant has not been reported in the literature in individuals affected with SNAP25-related conditions. ClinVar contains an entry for this variant (Variation ID: 954664). An algorithm developed to predict the effect of missense changes on protein structure and function (PolyPhen-2) suggests that this variant is likely to be disruptive. In summary, the available evidence is currently insufficient to determine the role of this variant in disease. Therefore, it has been classified as a Variant of Uncertain Significance.

Ambry Genetics
Classification: Uncertain significance for Inborn genetic diseases. Last evaluated: 2017-10-03. Review status: criteria provided, single submitter. Criteria: Ambry Variant Classification Scheme 2023. Collection method: clinical testing. Allele origin: germline.
Comment: The p.A2T variant (also known as c.4G>A), located in coding exon 1 of the SNAP25 gene, results from a G to A substitution at nucleotide position 4. The alanine at codon 2 is replaced by threonine, an amino acid with similar properties. This amino acid position is highly conserved in available vertebrate species. In addition, the in silico prediction for this alteration is inconclusive. Since supporting evidence is limited at this time, the clinical significance of this alteration remains unclear.

NM_130811.4(SNAP25):c.4G>A (p.Ala2Thr)

Gene: SNAP25 (synaptosome associated protein 25; plus strand). Cytogenetic location: 20p12.2.
Variant type: single nucleotide variant.
Coding change: c.4G>A on transcript NM_130811.4 (MANE Select); coding-DNA position 4, G replaced by A.
Protein change: p.Ala2Thr; replaces alanine 2 with threonine.
Molecular consequence: missense variant.
Genome position (GRCh38, 1-based): chr20:10,275,495, G>A. VCF-style: chr20-10275495-G-A. GRCh37 (hg19) VCF-style: chr20-10256143-G-A.
Other names: c.4G>A, p.Ala2Thr (NM_001322902.2, NM_001322903.2, NM_001322904.2 and 7 more transcripts); short protein forms A2T.
Identifiers: ClinVar variation 954664 (VCV000954664.9), dbSNP rs769950821, ClinGen allele CA408265144.